The following is an entry in ClinVar:

NM_003392.7(WNT5A):c.264C>T (p.Asp88=)

Gene: WNT5A (Wnt family member 5A; minus strand). Cytogenetic location: 3p14.3.
Variant type: single nucleotide variant.
Coding change: c.264C>T on transcript NM_003392.7 (MANE Select); coding-DNA position 264, C replaced by T.
Protein change: p.Asp88=; no amino-acid change (aspartic acid 88 retained).
Molecular consequence: synonymous variant.
Genome position (GRCh38, 1-based): chr3:55,479,441, G>A on the plus strand (C>T on the coding strand, the complement: WNT5A is on the minus strand). VCF-style: chr3-55479441-G-A. GRCh37 (hg19) VCF-style: chr3-55513469-G-A.
Other names: c.219C>T, p.Asp73= (NM_001256105.1, NM_001377271.1, NM_001377272.1); c.264C>T (NM_003392.4).
Identifiers: ClinVar variation 1603613 (VCV001603613.9), dbSNP rs756458693, ClinGen allele CA2459084.

ClinVar aggregate classification (germline): Likely benign. Review status: criteria provided, single submitter (1 of 4 stars). 2 submissions from 2 submitters: Likely benign (1). 1 of the submissions does not count toward it. Last evaluated 2025-09-22.

Conditions:
WNT5A-related disorder. Also called: WNT5A-related condition.

Allele frequency attached by ClinVar (database versions not stated): gnomAD exomes 0.00001 and 0.00003; ExAC 0.00002; TOPMed 0.00002; gnomAD 0.00003.
gnomAD v4.1: 16 of 1,613,856 alleles (0.00099%); highest among the groups gnomAD compares: Admixed American, 0.01%; no homozygotes.

Submissions (2):

Labcorp Genetics (formerly Invitae), Labcorp
Classification: Likely benign. Last evaluated: 2025-09-22. Review status: criteria provided, single submitter. Criteria: Invitae Variant Classification Sherloc (09022015). Collection method: clinical testing. Allele origin: germline.

PreventionGenetics, part of Exact Sciences
Classification: Likely benign for WNT5A-related condition. Last evaluated: 2019-04-10. Review status: no assertion criteria provided. Collection method: clinical testing. Allele origin: germline. Not counted in ClinVar's aggregate classification.
Comment: This variant is classified as likely benign based on ACMG/AMP sequence variant interpretation guidelines (Richards et al. 2015 PMID: 25741868, with internal and published modifications).